The following is an entry in ClinVar:

ClinVar aggregate classification (germline): Conflicting classifications of pathogenicity. Review status: criteria provided, conflicting classifications (1 of 4 stars). 8 submissions from 8 submitters: Uncertain significance (1); Likely benign (7). Last evaluated 2026-02-01.

Conditions:
Myopathy, myosin storage, autosomal recessive (CMYO7B). Also called: CONGENITAL MYOPATHY 7B, MYOSIN STORAGE, AUTOSOMAL RECESSIVE. Identifiers: Orphanet 636970, MedGen C1850709, MONDO:0009708, OMIM 255160.
Dilated cardiomyopathy 1S (CMD1S). Identifiers: Orphanet 154, Orphanet 54260, MedGen C1834481, MONDO:0013262, OMIM 613426.
Hypertrophic cardiomyopathy 1 (CMH1). Also called: MYH7-Related Familial Hypertrophic Cardiomyopathy; Familial hypertrophic cardiomyopathy 1. Identifiers: MedGen C3495498, MONDO:0008647, OMIM 192600.
MYH7-related skeletal myopathy. Also called: Myopathy, distal, 1; Laing distal myopathy; Laing early-onset distal myopathy; MYOPATHY, DISTAL, EARLY-ONSET, AUTOSOMAL DOMINANT; MYOPATHY, LATE DISTAL HEREDITARY. Identifiers: Orphanet 59135, MedGen C4552004, MONDO:0008050, OMIM 160500.
Myosin storage myopathy (CMYO7A). Also called: MYH7-related late-onset scapuloperoneal muscular dystrophy; Congenital myopathy 7A, myosin storage, autosomal dominant; MYOPATHY, HYALINE BODY, AUTOSOMAL DOMINANT; SCAPULOPERONEAL MUSCULAR DYSTROPHY; SCAPULOPERONEAL SYNDROME, MYOPATHIC TYPE; Scapuloperoneal myopathy, MYH7-related. Identifiers: Orphanet 437572, Orphanet 636965, MedGen C1842160, MONDO:0008409, OMIM 608358.
Congenital myopathy with fiber type disproportion. Also called: Congenital fiber-type disproportion myopathy; Congenital fiber-type disproportion. Identifiers: Orphanet 2020, MedGen C0546264, MONDO:0009711. Inheritance: all.
MYH7-related disorder. Also called: MYH7-related condition; MYH7-related disease; MYH7-related disorders.
Cardiomyopathy (CMYO). Also called: Cardiomyopathies. Identifiers: Orphanet 167848, MedGen C0878544, MONDO:0004994, HP:0001638. Inheritance: Various modes of inheritance.
Hypertrophic cardiomyopathy. Also called: HYPERTROPHIC MYOCARDIOPATHY. Identifiers: Orphanet 217569, MedGen C0007194, MeSH D002312, MONDO:0005045, HP:0001639.

Allele frequency attached by ClinVar (database versions not stated): ExAC 0.00004; gnomAD 0.00010 and 0.00014; 1000 Genomes Project 30x 0.00016; TOPMed 0.00017; 1000 Genomes Project 0.00020.
gnomAD v4.1: 37 of 1,612,454 alleles (0.0023%); highest among the groups gnomAD compares: African/African-American, 0.039%; no homozygotes.

Submissions (8):

Labcorp Genetics (formerly Invitae), Labcorp
Classification: Likely benign for Hypertrophic cardiomyopathy. Last evaluated: 2026-02-01. Review status: criteria provided, single submitter. Criteria: Invitae Variant Classification Sherloc (09022015). Collection method: clinical testing. Allele origin: germline.

PreventionGenetics, part of Exact Sciences
Classification: Likely benign for MYH7-related condition. Last evaluated: 2026-01-12. Review status: criteria provided, single submitter. Criteria: ACMG Guidelines, 2015. Collection method: clinical testing. Allele origin: germline.
Comment: This variant is classified as likely benign based on ACMG/AMP sequence variant interpretation guidelines (Richards et al. 2015 PMID: 25741868, with internal and published modifications).

Blueprint Genetics
Classification: Likely benign. Last evaluated: 2024-06-05. Review status: criteria provided, single submitter. Criteria: ACMG Guidelines, 2015. Collection method: clinical testing. Allele origin: germline.

All of Us Research Program, National Institutes of Health
Classification: Likely benign for Cardiomyopathy. Last evaluated: 2024-02-05. Review status: criteria provided, single submitter. Criteria: ACMG Guidelines, 2015. Collection method: clinical testing. Allele origin: germline. Inheritance: Autosomal dominant inheritance. Observed: 14 variant alleles, 14 heterozygotes.
Comment: This study involves interpretation of variants in research participants for the purpose of population health screening. Participant phenotype was not available at the time of variant classification. Additional details can be found in publication PMID: 35346344, PMCID: PMC8962531

CHEO Genetics Diagnostic Laboratory, Children's Hospital of Eastern Ontario
Classification: Uncertain significance for Cardiomyopathy. Last evaluated: 2021-12-30. Review status: criteria provided, single submitter. Criteria: ACMG Guidelines, 2015. Collection method: clinical testing. Allele origin: germline.

Fulgent Genetics
Classification: Likely benign for MYH7-related skeletal myopathy; Myosin storage myopathy; Hypertrophic cardiomyopathy 1; Myopathy, myosin storage, autosomal recessive; Congenital myopathy 4A, autosomal dominant; Dilated cardiomyopathy 1S. Last evaluated: 2021-09-14. Review status: criteria provided, single submitter. Criteria: ACMG Guidelines, 2015. Collection method: clinical testing. Allele origin: unknown.

Color Diagnostics, LLC DBA Color Health
Classification: Likely benign for Cardiomyopathy. Last evaluated: 2019-01-07. Review status: criteria provided, single submitter. Criteria: ACMG Guidelines, 2015. Collection method: clinical testing. Allele origin: germline.

GeneDx
Classification: Likely benign. Last evaluated: 2016-04-06. Review status: criteria provided, single submitter. Criteria: GeneDx Variant Classification (06012015). Collection method: clinical testing. Allele origin: germline. Affected: yes.
Comment: This variant is considered likely benign or benign based on one or more of the following criteria: it is a conservative change, it occurs at a poorly conserved position in the protein, it is predicted to be benign by multiple in silico algorithms, and/or has population frequency not consistent with disease.

NM_000257.4(MYH7):c.4170-8C>A

Gene: MYH7 (myosin heavy chain 7; minus strand). Cytogenetic location: 14q11.2.
Variant type: single nucleotide variant.
Coding change: c.4170-8C>A on transcript NM_000257.4 (MANE Select); 8 bases into the intron before coding-DNA position 4170, C replaced by A.
Molecular consequence: intron variant.
Genome position (GRCh38, 1-based): chr14:23,417,694, G>T on the plus strand (C>A on the coding strand, the complement: MYH7 is on the minus strand). VCF-style: chr14-23417694-G-T. GRCh37 (hg19) VCF-style: chr14-23886903-G-T.
Other names: c.4170-8C>A (LRG_384t1).
Identifiers: ClinVar variation 181245 (VCV000181245.19), dbSNP rs199632504, ClinGen allele CA014558.
Genomic context (GRCh38, chr14:23,417,694, plus strand): 5'-TAACAGCCTCCACGGCCTCCTCAGCTTCCTGCAGCCGCTGGGCCAGCTTCTTCCTGCCCA[G>T]GGGAGGGTGGCAGAGGGTGGGGAGGATGGAGGGTGTGGATGGGGACAAGAGGAAACAACA-3'